The following is an entry in ClinVar:

NM_001386795.1(DTNA):c.642G>A (p.Met214Ile)

Gene: DTNA (dystrobrevin alpha; plus strand). Cytogenetic location: 18q12.1.
Variant type: single nucleotide variant.
Coding change: c.642G>A on transcript NM_001386795.1 (MANE Select); coding-DNA position 642, G replaced by A.
Protein change: p.Met214Ile; replaces methionine 214 with isoleucine.
Molecular consequence: missense variant. On other transcripts: intron variant (1).
Genome position (GRCh38, 1-based): chr18:34,815,947, G>A. VCF-style: chr18-34815947-G-A. GRCh37 (hg19) VCF-style: chr18-32395911-G-A.
Other names: c.642G>A, p.Met214Ile (NM_001128175.2, NM_001198938.2, NM_001198939.2 and 34 more transcripts); c.603+3834G>A (NM_001198945.2); short protein forms M214I.
Identifiers: ClinVar variation 583209 (VCV000583209.13), dbSNP rs745752400, ClinGen allele CA8935432.

ClinVar aggregate classification (germline): Uncertain significance. Review status: criteria provided, multiple submitters, no conflicts (2 of 4 stars). 2 submissions from 2 submitters: Uncertain significance (2). Last evaluated 2025-12-22.

Conditions:
Left ventricular noncompaction 1 (LVNC1). Also called: LEFT VENTRICULAR NONCOMPACTION 1 WITH OR WITHOUT CONGENITAL HEART DEFECTS. Identifiers: Orphanet 54260, MedGen C1858725, MONDO:0011403, OMIM 604169.

Allele frequency attached by ClinVar (database versions not stated): gnomAD exomes below 0.00001 and 0.00002; ExAC 0.00002; TOPMed 0.00002.
gnomAD v4.1: 8 of 1,613,840 alleles (0.0005%); highest among the groups gnomAD compares: Admixed American, 0.0083%; no homozygotes.

Submissions (2):

Labcorp Genetics (formerly Invitae), Labcorp
Classification: Uncertain significance for Left ventricular noncompaction 1. Last evaluated: 2025-12-22. Review status: criteria provided, single submitter. Criteria: Invitae Variant Classification Sherloc (09022015). Collection method: clinical testing. Allele origin: germline.
Comment: This sequence change replaces methionine, which is neutral and non-polar, with isoleucine, which is neutral and non-polar, at codon 214 of the DTNA protein (p.Met214Ile). This variant is present in population databases (rs745752400, gnomAD 0.01%). This variant has not been reported in the literature in individuals affected with DTNA-related conditions. ClinVar contains an entry for this variant (Variation ID: 583209). Invitae Evidence Modeling of protein sequence and biophysical properties (such as structural, functional, and spatial information, amino acid conservation, physicochemical variation, residue mobility, and thermodynamic stability) indicates that this missense variant is not expected to disrupt DTNA protein function with a negative predictive value of 80%. In summary, the available evidence is currently insufficient to determine the role of this variant in disease. Therefore, it has been classified as a Variant of Uncertain Significance.

Mayo Clinic Laboratories, Mayo Clinic
Classification: Uncertain significance. Last evaluated: 2020-07-23. Review status: criteria provided, single submitter. Criteria: ACMG Guidelines, 2015. Collection method: clinical testing. Allele origin: germline. Observed: 1 variant allele.